The following is an entry in ClinVar:

ClinVar aggregate classification (germline): Uncertain significance. Review status: criteria provided, multiple submitters, no conflicts (2 of 4 stars). 2 submissions from 2 submitters: Uncertain significance (2). Last evaluated 2026-02-26.

Conditions:
Hereditary cancer-predisposing syndrome. Also called: Tumor predisposition; Hereditary Cancer Syndrome; Hereditary neoplastic syndrome; Neoplastic Syndromes, Hereditary. Identifiers: Orphanet 140162, MedGen C0027672, MeSH D009386, MONDO:0015356.
Tuberous sclerosis 2 (TSC2). Identifiers: Orphanet 805, MedGen C1860707, MONDO:0013199, OMIM 613254.

Submissions (2):

Ambry Genetics
Classification: Uncertain significance for Hereditary cancer-predisposing syndrome. Last evaluated: 2026-02-26. Review status: criteria provided, single submitter. Criteria: Ambry Variant Classification Scheme 2023. Collection method: clinical testing. Allele origin: germline.

Labcorp Genetics (formerly Invitae), Labcorp
Classification: Uncertain significance for Tuberous sclerosis 2. Last evaluated: 2026-01-17. Review status: criteria provided, single submitter. Criteria: Invitae Variant Classification Sherloc (09022015). Collection method: clinical testing. Allele origin: germline.
Comment: This sequence change replaces isoleucine, which is neutral and non-polar, with valine, which is neutral and non-polar, at codon 383 of the TSC2 protein (p.Ile383Val). This variant is not present in population databases (gnomAD no frequency). This variant has not been reported in the literature in individuals affected with TSC2-related conditions. ClinVar contains an entry for this variant (Variation ID: 2714295). Invitae Evidence Modeling of protein sequence and biophysical properties (such as structural, functional, and spatial information, amino acid conservation, physicochemical variation, residue mobility, and thermodynamic stability) indicates that this missense variant is not expected to disrupt TSC2 protein function with a negative predictive value of 95%. In summary, the available evidence is currently insufficient to determine the role of this variant in disease. Therefore, it has been classified as a Variant of Uncertain Significance.

NM_000548.5(TSC2):c.1147A>G (p.Ile383Val)

Gene: TSC2 (TSC complex subunit 2; plus strand). Cytogenetic location: 16p13.3.
Variant type: single nucleotide variant.
Coding change: c.1147A>G on transcript NM_000548.5 (MANE Select); coding-DNA position 1147, A replaced by G.
Protein change: p.Ile383Val; replaces isoleucine 383 with valine.
Molecular consequence: missense variant. On other transcripts: 5 prime UTR variant (10), non-coding transcript variant (5).
Genome position (GRCh38, 1-based): chr16:2,061,898, A>G. VCF-style: chr16-2061898-A-G. GRCh37 (hg19) VCF-style: chr16-2111899-A-G.
Other names: c.1147A>G, p.Ile383Val (NM_001077183.3, NM_001114382.3, NM_001363528.2 and 6 more transcripts); c.1036A>G, p.Ile346Val (NM_001318827.2, NM_001406670.1, NM_001406678.1); c.1000A>G, p.Ile334Val (NM_001318829.2, NM_001406675.1, NM_001406676.1 and 1 more transcripts); c.547A>G, p.Ile183Val (NM_001318831.2, NM_001406687.1, NM_001406688.1 and 6 more transcripts); c.1180A>G, p.Ile394Val (NM_001318832.2); c.1237A>G, p.Ile413Val (NM_001406667.1, NM_001406668.1); c.1135A>G, p.Ile379Val (NM_001406671.1, NM_001406673.1); c.-198A>G (NM_001406689.1, NM_001406690.1, NM_001406691.1 and 4 more transcripts); and 4 more; short protein forms I229V, I334V, I183V, I379V, I383V, I394V, I346V, I364V.
Identifiers: ClinVar variation 2714295 (VCV002714295.5), dbSNP rs2548536908, ClinGen allele CA394320022.